The following is an entry in ClinVar:

NM_020822.3(KCNT1):c.285C>T (p.Asn95=)

Gene: KCNT1 (potassium sodium-activated channel subfamily T member 1; plus strand). Cytogenetic location: 9q34.3.
Variant type: single nucleotide variant.
Coding change: c.285C>T on transcript NM_020822.3 (MANE Select); coding-DNA position 285, C replaced by T.
Protein change: p.Asn95=; no amino-acid change (asparagine 95 retained).
Molecular consequence: synonymous variant.
Genome position (GRCh38, 1-based): chr9:135,750,128, C>T. VCF-style: chr9-135750128-C-T. GRCh37 (hg19) VCF-style: chr9-138641974-C-T.
Other names: c.141C>T, p.Asn47= (NM_001272003.2).
Identifiers: ClinVar variation 288994 (VCV000288994.17), dbSNP rs558966732, ClinGen allele CA5326359.

ClinVar aggregate classification (germline): Conflicting classifications of pathogenicity. Review status: criteria provided, conflicting classifications (1 of 4 stars). 4 submissions from 4 submitters: Uncertain significance (1); Likely benign (3). Last evaluated 2025-12-21.

Conditions:
Developmental and epileptic encephalopathy, 14 (DEE14). Also called: Early infantile epileptic encephalopathy 14. Identifiers: Orphanet 293181, MedGen C3554195, MONDO:0013989, OMIM 614959.
Autosomal dominant nocturnal frontal lobe epilepsy 5. Also called: KCNT1-Related Epilepsy; Epilepsy, nocturnal frontal lobe, 5; CILIARY DYSKINESIA, PRIMARY, 28, WITHOUT SITUS INVERSUS; CILIARY DYSKINESIA, PRIMARY, 28, WITH SITUS INVERSUS. Identifiers: Orphanet 98784, MedGen C3554306, MONDO:0014002, OMIM 615005.

Allele frequency attached by ClinVar (database versions not stated): gnomAD 0.00001 and 0.00003; gnomAD exomes 0.00002 and 0.00003; ExAC 0.00003; TOPMed 0.00003; 1000 Genomes Project 30x 0.00016; 1000 Genomes Project 0.00020.

Submissions (4):

Labcorp Genetics (formerly Invitae), Labcorp
Classification: Likely benign for Autosomal dominant nocturnal frontal lobe epilepsy 5; Developmental and epileptic encephalopathy, 14. Last evaluated: 2025-12-21. Review status: criteria provided, single submitter. Criteria: Invitae Variant Classification Sherloc (09022015). Collection method: clinical testing. Allele origin: germline.

Athena Diagnostics
Classification: Likely benign. Last evaluated: 2020-06-09. Review status: criteria provided, single submitter. Criteria: Athena Diagnostics Criteria. Collection method: clinical testing. Allele origin: unknown.

GeneDx
Classification: Likely benign. Last evaluated: 2016-09-29. Review status: criteria provided, single submitter. Criteria: GeneDx Variant Classification (06012015). Collection method: clinical testing. Allele origin: germline. Affected: yes.
Comment: This variant is considered likely benign or benign based on one or more of the following criteria: it is a conservative change, it occurs at a poorly conserved position in the protein, it is predicted to be benign by multiple in silico algorithms, and/or has population frequency not consistent with disease.

Eurofins Ntd Llc (ga)
Classification: Uncertain significance. Last evaluated: 2016-07-07. Review status: criteria provided, single submitter. Criteria: EGL Classification Definitions 2015. Collection method: clinical testing. Allele origin: germline. Observed: 1 variant allele, 1 heterozygote.